The following is an entry in ClinVar:

ClinVar aggregate classification (germline): Uncertain significance (1 of 4 stars; one submission).

Conditions:
Epidermodysplasia verruciformis. Identifiers: Orphanet 302, MedGen C0014522, MONDO:0009176.

Allele frequency attached by ClinVar (database versions not stated): gnomAD 0.00001; ESP Exome Variant Server 0.00008; ExAC 0.00003; gnomAD exomes 0.00002.
gnomAD v4.1: 149 of 1,611,592 alleles (0.0092%); highest among the groups gnomAD compares: Non-Finnish European, 0.011%; no homozygotes.

Submission:

Labcorp Genetics (formerly Invitae), Labcorp
Classification: Uncertain significance for Epidermodysplasia verruciformis. Last evaluated: 2023-11-14. Review status: criteria provided, single submitter. Criteria: Invitae Variant Classification Sherloc (09022015). Collection method: clinical testing. Allele origin: germline.
Comment: This sequence change replaces arginine, which is basic and polar, with tryptophan, which is neutral and slightly polar, at codon 523 of the TMC8 protein (p.Arg523Trp). This variant is present in population databases (rs147103093, gnomAD 0.005%). This variant has not been reported in the literature in individuals affected with TMC8-related conditions. ClinVar contains an entry for this variant (Variation ID: 1423605). Advanced modeling of protein sequence and biophysical properties (such as structural, functional, and spatial information, amino acid conservation, physicochemical variation, residue mobility, and thermodynamic stability) has been performed at Invitae for this missense variant, however the output from this modeling did not meet the statistical confidence thresholds required to predict the impact of this variant on TMC8 protein function. In summary, the available evidence is currently insufficient to determine the role of this variant in disease. Therefore, it has been classified as a Variant of Uncertain Significance.

NM_152468.5(TMC8):c.1567C>T (p.Arg523Trp)

Gene: TMC8 (transmembrane channel like 8; plus strand). Cytogenetic location: 17q25.3.
Variant type: single nucleotide variant.
Coding change: c.1567C>T on transcript NM_152468.5 (MANE Select); coding-DNA position 1567, C replaced by T.
Protein change: p.Arg523Trp; replaces arginine 523 with tryptophan.
Molecular consequence: missense variant.
Genome position (GRCh38, 1-based): chr17:78,138,382, C>T. VCF-style: chr17-78138382-C-T. GRCh37 (hg19) VCF-style: chr17-76134463-C-T.
Other names: short protein forms R523W.
Identifiers: ClinVar variation 1423605 (VCV001423605.6), dbSNP rs147103093, ClinGen allele CA8796925.
Genomic context (GRCh38, chr17:78,138,382, plus strand): 5'-CCTGGTTGCTATTGCTTGCGCCCCCAGTACACCCTCCTGAAGAACTCCAGGGCATCTTCG[C>T]GGCCCTTCCGTGCCTCCAGCTCCACCTTCTTCTTCCAGCTAGTGCTCCTCCTGGGCCTGC-3'
Protein context (NP_689681.2, residues 513-533): TLLKNSRASS[Arg523Trp]PFRASSSTFF